The following is an entry in ClinVar:

NM_001042492.3(NF1):c.3999G>A (p.Glu1333=)

Gene: NF1 (neurofibromin 1; plus strand). Cytogenetic location: 17q11.2.
Variant type: single nucleotide variant.
Coding change: c.3999G>A on transcript NM_001042492.3 (MANE Select); coding-DNA position 3999, G replaced by A.
Protein change: p.Glu1333=; no amino-acid change (glutamic acid 1333 retained).
Molecular consequence: synonymous variant.
Genome position (GRCh38, 1-based): chr17:31,249,008, G>A. VCF-style: chr17-31249008-G-A. GRCh37 (hg19) VCF-style: chr17-29576026-G-A.
Other names: c.3999G>A, p.Glu1333= (NM_000267.4).
Identifiers: ClinVar variation 3572033 (VCV003572033.1).

ClinVar aggregate classification (germline): Uncertain significance (1 of 4 stars; one submission).

Submission:

Quest Diagnostics Nichols Institute San Juan Capistrano
Classification: Uncertain significance. Last evaluated: 2024-11-20. Review status: criteria provided, single submitter. Criteria: Quest Diagnostics criteria. Collection method: clinical testing. Allele origin: unknown.
Comment: The NF1 c.3999G>A (p.Glu1333=) synonymous variant has not been reported in individuals with NF1-related conditions in the published literature. It also has not been reported in large, multi-ethnic general populations (Genome Aggregation Database). Analysis of this variant using software algorithms for the prediction of the effect of nucleotide changes on splicing yielded predictions that this variant does not affect NF1 mRNA splicing. Based on the available information, we are unable to determine the clinical significance of this variant.